The following is an entry in ClinVar:

NM_004408.4(DNM1):c.1012G>A (p.Val338Ile)

Gene: DNM1 (dynamin 1; plus strand). Cytogenetic location: 9q34.11.
Variant type: single nucleotide variant.
Coding change: c.1012G>A on transcript NM_004408.4 (MANE Select); coding-DNA position 1012, G replaced by A.
Protein change: p.Val338Ile; replaces valine 338 with isoleucine.
Molecular consequence: missense variant.
Genome position (GRCh38, 1-based): chr9:128,222,480, G>A. VCF-style: chr9-128222480-G-A. GRCh37 (hg19) VCF-style: chr9-130984759-G-A.
Other names: c.1012G>A (NM_004408.2); c.1012G>A, p.Val338Ile (NM_001005336.3, NM_001288737.2, NM_001288738.2 and 2 more transcripts); short protein forms V338I.
Identifiers: ClinVar variation 2864051 (VCV002864051.6), dbSNP rs374403477, ClinGen allele CA200349955.

ClinVar aggregate classification (germline): Conflicting classifications of pathogenicity. Review status: criteria provided, conflicting classifications (1 of 4 stars). 3 submissions from 3 submitters: Uncertain significance (2); Likely benign (1). Last evaluated 2025-02-27.

Conditions:
Inborn genetic diseases. Identifiers: MedGen C0950123, MeSH D030342.
Developmental and epileptic encephalopathy, 31A. Also called: Epileptic encephalopathy, early infantile, 31; Developmental and epileptic encephalopathy, 31. Identifiers: Orphanet 2382, MedGen C4225357, MONDO:0014598, OMIM 616346.

Allele frequency attached by ClinVar (database versions not stated): gnomAD 0.00001; ESP Exome Variant Server 0.00008; TOPMed 0.00002.

Submissions (3):

Dasa
Classification: Uncertain significance. Last evaluated: 2025-02-27. Review status: criteria provided, single submitter. Criteria: DASA Assertion Criteria. Collection method: clinical testing. Allele origin: germline.
Comment: NM_004408.4(DNM1):c.1012G>A (p.Val338Ile) is a missense variant that results in the substitution of valine with isoleucine. This variant is rare in population databases. Computational prediction algorithms are consistent with a benign effect. The currently available literature and clinical evidence are not sufficient to establish a definitive association between this variant and the reported condition. Therefore, this variant is classified as a variant of uncertain significance.

Ambry Genetics
Classification: Likely benign for Inborn genetic diseases. Last evaluated: 2024-11-25. Review status: criteria provided, single submitter. Criteria: Ambry Variant Classification Scheme 2023. Collection method: clinical testing. Allele origin: germline.

Labcorp Genetics (formerly Invitae), Labcorp
Classification: Uncertain significance for Developmental and epileptic encephalopathy, 31A. Last evaluated: 2024-02-02. Review status: criteria provided, single submitter. Criteria: Invitae Variant Classification Sherloc (09022015). Collection method: clinical testing. Allele origin: germline.
Comment: This sequence change replaces valine, which is neutral and non-polar, with isoleucine, which is neutral and non-polar, at codon 338 of the DNM1 protein (p.Val338Ile). The frequency data for this variant in the population databases is considered unreliable, as metrics indicate poor data quality at this position in the gnomAD database. This variant has not been reported in the literature in individuals affected with DNM1-related conditions. Advanced modeling of protein sequence and biophysical properties (such as structural, functional, and spatial information, amino acid conservation, physicochemical variation, residue mobility, and thermodynamic stability) performed at Invitae indicates that this missense variant is not expected to disrupt DNM1 protein function with a negative predictive value of 80%. In summary, the available evidence is currently insufficient to determine the role of this variant in disease. Therefore, it has been classified as a Variant of Uncertain Significance.